The following is an entry in ClinVar:

NM_201596.3(CACNB2):c.314C>G (p.Ala105Gly)

Gene: CACNB2 (calcium voltage-gated channel auxiliary subunit beta 2; plus strand). Cytogenetic location: 10p12.31.
Variant type: single nucleotide variant.
Coding change: c.314C>G on transcript NM_201596.3 (MANE Select); coding-DNA position 314, C replaced by G.
Protein change: p.Ala105Gly; replaces alanine 105 with glycine.
Molecular consequence: missense variant.
Genome position (GRCh38, 1-based): chr10:18,402,024, C>G. VCF-style: chr10-18402024-C-G. GRCh37 (hg19) VCF-style: chr10-18690953-C-G.
Other names: c.149C>G, p.Ala50Gly (NM_000724.4, NM_001330060.2); c.230C>G, p.Ala77Gly (NM_001167945.2, NM_201571.4, NM_201572.4); c.170C>G, p.Ala57Gly (NM_201570.3); c.152C>G, p.Ala51Gly (NM_201590.3); c.314C>G, p.Ala105Gly (NM_201593.3, NM_201597.3); short protein forms A105G, A50G, A51G, A57G, A77G.
Identifiers: ClinVar variation 1049212 (VCV001049212.6), dbSNP rs375218580, ClinGen allele CA5429557.

ClinVar aggregate classification (germline): Uncertain significance. Review status: criteria provided, multiple submitters, no conflicts (2 of 4 stars). 3 submissions from 3 submitters: Uncertain significance (2). 1 of the submissions does not count toward it. Last evaluated 2026-01-11.

Conditions:
CACNB2-related disorder. Also called: CACNB2-related condition.
Cardiovascular phenotype. Identifiers: MedGen CN230736.

Allele frequency attached by ClinVar (database versions not stated): gnomAD 0.00001; TOPMed 0.00001; ExAC 0.00002; gnomAD exomes 0.00002; ESP Exome Variant Server 0.00008.
gnomAD v4.1: 22 of 1,613,846 alleles (0.0014%); highest among the groups gnomAD compares: Middle Eastern, 0.016%; no homozygotes.

Submissions (3):

PreventionGenetics, part of Exact Sciences
Classification: Uncertain significance for CACNB2-related condition. Last evaluated: 2026-01-11. Review status: criteria provided, single submitter. Criteria: ACMG Guidelines, 2015. Collection method: clinical testing. Allele origin: germline.
Comment: The CACNB2 c.152C>G variant is predicted to result in the amino acid substitution p.Ala51Gly. To our knowledge, this variant has not been reported in the literature. This variant is reported in 0.0054% of alleles in individuals of European (Non-Finnish) descent in gnomAD. At this time, the clinical significance of this variant is uncertain due to the absence of conclusive functional and genetic evidence.

Ambry Genetics
Classification: Uncertain significance for Cardiovascular phenotype. Last evaluated: 2025-10-18. Review status: criteria provided, single submitter. Criteria: Ambry Variant Classification Scheme 2023. Collection method: clinical testing. Allele origin: germline.

Department of Pathology and Laboratory Medicine, Sinai Health System
Classification: Uncertain significance. Review status: no assertion criteria provided. Collection method: clinical testing. Allele origin: unknown. Affected: yes. Study: The Canadian Open Genetics Repository (COGR). Not counted in ClinVar's aggregate classification.
Comment: The CACNB2 p.A50G variant was not identified in the literature nor was it identified in ClinVar. The variant was identified in dbSNP (ID: rs375218580) and in control databases in 7 of 282306 chromosomes at a frequency of 0.0000248 (Genome Aggregation Database March 6, 2019, v2.1.1). The variant was observed in the European (non-Finnish) population in 7 of 128920 chromosomes (freq: 0.000054), but was not observed in the African, Latino, Ashkenazi Jewish, East Asian, European (Finnish), Other, or South Asian populations. The p.A50 residue is conserved in mammals and computational analyses (PolyPhen-2, SIFT, MutationTaster, Revel, FATHMM, MetaLR, DANN) provide inconsistent predictions regarding the impact to the protein; this information is not very predictive of pathogenicity. The variant occurs outside of the splicing consensus sequence and in silico or computational prediction software programs (Splice AI exome) do not predict a difference in splicing. In summary, based on the above information the clinical significance of this variant cannot be determined with certainty at this time. This variant is classified as a variant of uncertain significance.